The following is an entry in ClinVar:

NM_000489.6(ATRX):c.5573G>A (p.Gly1858Asp)

Gene: ATRX (ATRX chromatin remodeler; minus strand). Cytogenetic location: Xq21.1.
Variant type: single nucleotide variant.
Coding change: c.5573G>A on transcript NM_000489.6 (MANE Select); coding-DNA position 5573, G replaced by A.
Protein change: p.Gly1858Asp; replaces glycine 1858 with aspartic acid.
Molecular consequence: missense variant.
Genome position (GRCh38, 1-based): chrX:77,600,558, C>T on the plus strand (G>A on the coding strand, the complement: ATRX is on the minus strand). VCF-style: chrX-77600558-C-T. GRCh37 (hg19) VCF-style: chrX-76856027-C-T.
Other names: c.5459G>A, p.Gly1820Asp (NM_138270.5); short protein forms G1820D, G1858D.
Identifiers: ClinVar variation 648765 (VCV000648765.11), dbSNP rs1602739123, ClinGen allele CA413698439.
Genomic context (GRCh38, chrX:77,600,558, plus strand): 5'-ATCTGAAAATCTTGGAAAAGCTTTGCACCTGCCTTTCCTCTTCCACCTTCACTATTATTG[C>T]CCACACCTGATCAAAAGAAATATGGTTAAAGACACAAAAATTGTCTATATCAACCAAGTT-3'
Protein context (NP_000480.3, residues 1848-1868): QYYLDHLTGV[Gly1858Asp]NNSEGGRGKA

ClinVar aggregate classification (germline): Uncertain significance (1 of 4 stars; one submission).

Conditions:
Alpha thalassemia-X-linked intellectual disability syndrome (ATRX). Also called: ALPHA-THALASSEMIA/IMPAIRED INTELLECTUAL DEVELOPMENT SYNDROME, X-LINKED; ALPHA-THALASSEMIA/MENTAL RETARDATION SYNDROME, X-LINKED; ATR, NONDELETION TYPE; X-linked alpha-thalassemia-mental retardation syndrome; ATR-X syndrome; Alpha thalassemia mental retardation syndrome, nondeletion type, X-linked. Identifiers: Orphanet 847, MedGen C1845055, MONDO:0010519, OMIM 301040.

Submission:

Labcorp Genetics (formerly Invitae), Labcorp
Classification: Uncertain significance for Alpha thalassemia-X-linked intellectual disability syndrome. Last evaluated: 2019-07-24. Review status: criteria provided, single submitter. Criteria: Invitae Variant Classification Sherloc (09022015). Collection method: clinical testing. Allele origin: germline.
Comment: This variant is not present in population databases (ExAC no frequency). This sequence change replaces glycine with aspartic acid at codon 1858 of the ATRX protein (p.Gly1858Asp). The glycine residue is moderately conserved and there is a moderate physicochemical difference between glycine and aspartic acid. This variant has not been reported in the literature in individuals with ATRX-related disease. In summary, the available evidence is currently insufficient to determine the role of this variant in disease. Therefore, it has been classified as a Variant of Uncertain Significance. Algorithms developed to predict the effect of missense changes on protein structure and function are either unavailable or do not agree on the potential impact of this missense change (SIFT: "Deleterious"; PolyPhen-2: "Probably Damaging"; Align-GVGD: "Class C0").